The following is an entry in ClinVar:

NM_182746.3(MCM4):c.1133_1134del (p.Leu378fs)

Gene: MCM4 (minichromosome maintenance complex component 4; plus strand). Cytogenetic location: 8q11.21.
Variant type: Microsatellite.
Coding change: c.1133_1134del on transcript NM_182746.3 (MANE Select); coding-DNA positions 1133 to 1134, 2 bases deleted (TC; older notation c.1133_1134delTC).
Protein change: p.Leu378fs; shifts the reading frame from leucine 378.
Molecular consequence: frameshift variant.
Genome position (GRCh38, 1-based): chr8:47,967,444-47,967,445, TC deleted; deleting any 2 consecutive bases within chr8:47,967,442-47,967,445 gives the same sequence; the c. name uses the placement nearest the transcript's 3' end. VCF-style (leftmost placement, unchanged base first): chr8-47967441-ATC-A. GRCh37 (hg19) VCF-style: chr8-48880001-ATC-A.
Other names: c.1133_1134del, p.Leu378fs (NM_005914.4); short protein forms L378fs.
Identifiers: ClinVar variation 4850314 (VCV004850314.1).
Genomic context (GRCh38, chr8:47,967,441, plus strand): 5'-CTCCGGAAGACATGCCTGCAGGGCAGACACCACACACAGTTATCCTGTTTGCTCACAATG[ATC>A]TCGTTGACAAGGTCCAGCCTGGGGACAGAGTGAATGTTACAGGTAAGAGTGTAGGTTTGC-3'

ClinVar aggregate classification (germline): Likely pathogenic (1 of 4 stars; one submission).

Conditions:
Primary immunodeficiency with natural-killer cell deficiency and adrenal insufficiency (IMD54). Also called: Natural killer cell and glucocorticoid deficiency with DNA repair defect; IMMUNODEFICIENCY 54. Identifiers: Orphanet 75391, MedGen C1864947, MONDO:0012383, OMIM 609981.

Submission:

First Genomix Gene Laboratory, Genetic Diagnostics Department
Classification: Likely pathogenic for Primary immunodeficiency with natural-killer cell deficiency and adrenal insufficiency. Last evaluated: 2025-09-15. Review status: criteria provided, single submitter. Criteria: ACMG Guidelines, 2015. Collection method: clinical testing. Allele origin: germline. Inheritance: Autosomal recessive inheritance. Affected: no. Observed: 1 variant allele.